The following is an entry in ClinVar:

NM_194293.4(XIRP1):c.4249G>T (p.Gly1417Cys)

Gene: XIRP1 (xin actin binding repeat containing 1; minus strand). Cytogenetic location: 3p22.2.
Variant type: single nucleotide variant.
Coding change: c.4249G>T on transcript NM_194293.4 (MANE Select); coding-DNA position 4249, G replaced by T.
Protein change: p.Gly1417Cys; replaces glycine 1417 with cysteine.
Molecular consequence: missense variant. On other transcripts: 3 prime UTR variant (1).
Genome position (GRCh38, 1-based): chr3:39,185,197, C>A on the plus strand (G>T on the coding strand, the complement: XIRP1 is on the minus strand). VCF-style: chr3-39185197-C-A. GRCh37 (hg19) VCF-style: chr3-39226688-C-A.
Other names: c.*456G>T (NM_001198621.4); c.298G>T, p.Gly100Cys (NM_001351377.2); short protein forms G100C, G1417C.
Identifiers: ClinVar variation 2569751 (VCV002569751.4), dbSNP rs763057593, ClinGen allele CA2325883.

ClinVar aggregate classification (germline): Uncertain significance. Review status: criteria provided, single submitter (1 of 4 stars). 2 submissions from 2 submitters: Uncertain significance (1). 1 of the submissions does not count toward it. Last evaluated 2023-03-20.

Conditions:
XIRP1-related disorder. Also called: XIRP1-related condition.

Allele frequency attached by ClinVar (database versions not stated): gnomAD exomes 0.00011; ExAC 0.00013; gnomAD 0.00019; TOPMed 0.00023.

Submissions (2):

Ambry Genetics
Classification: Uncertain significance. Last evaluated: 2023-03-20. Review status: criteria provided, single submitter. Criteria: Ambry Variant Classification Scheme 2023. Collection method: clinical testing. Allele origin: germline.

PreventionGenetics, part of Exact Sciences
Classification: Likely benign for XIRP1-related condition. Last evaluated: 2022-05-23. Review status: no assertion criteria provided. Collection method: clinical testing. Allele origin: germline. Not counted in ClinVar's aggregate classification.
Comment: This variant is classified as likely benign based on ACMG/AMP sequence variant interpretation guidelines (Richards et al. 2015 PMID: 25741868, with internal and published modifications).